The following is an entry in ClinVar:

NM_001365276.2(TNXB):c.9133G>A (p.Glu3045Lys)

Gene: TNXB (tenascin XB; minus strand). Cytogenetic location: 6p21.33.
Variant type: single nucleotide variant.
Coding change: c.9133G>A on transcript NM_001365276.2 (MANE Select); coding-DNA position 9133, G replaced by A.
Protein change: p.Glu3045Lys; replaces glutamic acid 3045 with lysine.
Molecular consequence: missense variant.
Genome position (GRCh38, 1-based): chr6:32,050,304, C>T on the plus strand (G>A on the coding strand, the complement: TNXB is on the minus strand). VCF-style: chr6-32050304-C-T. GRCh37 (hg19) VCF-style: chr6-32018081-C-T.
Other names: c.9874G>A, p.Glu3292Lys (NM_001428335.1); c.9127G>A, p.Glu3043Lys (NM_019105.8); c.9127G>A (NM_019105.6); short protein forms E3292K, E3043K, E3045K.
Identifiers: ClinVar variation 4525888 (VCV004525888.2).

ClinVar aggregate classification (germline): Uncertain significance. Review status: criteria provided, multiple submitters, no conflicts (2 of 4 stars). 2 submissions from 2 submitters: Uncertain significance (2). Last evaluated 2025-12-24.

Conditions:
Cardiovascular phenotype. Identifiers: MedGen CN230736.

gnomAD v4.1: 16 of 1,612,732 alleles (0.00099%); highest among the groups gnomAD compares: South Asian, 0.0066%; no homozygotes.

Submissions (2):

Ambry Genetics
Classification: Uncertain significance for Cardiovascular phenotype. Last evaluated: 2025-12-24. Review status: criteria provided, single submitter. Criteria: Ambry Variant Classification Scheme 2023. Collection method: clinical testing. Allele origin: germline.
Comment: The p.E3043K variant (also known as c.9127G>A), located in coding exon 26 of the TNXB gene, results from a G to A substitution at nucleotide position 9127. The glutamic acid at codon 3043 is replaced by lysine, an amino acid with similar properties. This amino acid position is conserved. In addition, this alteration is predicted to be tolerated by in silico analysis. Based on the available evidence, the clinical significance of this variant remains unclear.

Women's Health and Genetics/Laboratory Corporation of America, LabCorp
Classification: Uncertain significance. Last evaluated: 2025-07-15. Review status: criteria provided, single submitter. Criteria: LabCorp Variant Classification Summary - May 2015. Collection method: clinical testing. Allele origin: germline.
Comment: Variant summary: TNXB c.9127G>A (p.Glu3043Lys) results in a conservative amino acid change in the encoded protein sequence. Algorithms developed to predict the effect of missense changes on protein structure and function all suggest that this variant is likely to be tolerated. The variant allele was found at a frequency of 8.2e-06 in 244926 control chromosomes. The available data on variant occurrences in the general population are insufficient to allow any conclusion about variant significance. To our knowledge, no occurrence of c.9127G>A in individuals affected with Ehlers-Danlos syndrome due to tenascin-X deficiency and no experimental evidence demonstrating its impact on protein function have been reported. No submitters have cited clinical-significance assessments for this variant to ClinVar. Based on the evidence outlined above, the variant was classified as uncertain significance.